The following is an entry in ClinVar:

ClinVar aggregate classification (germline): Uncertain significance (1 of 4 stars; one submission).

Conditions:
Hereditary cancer-predisposing syndrome. Also called: Hereditary Cancer Syndrome; Hereditary neoplastic syndrome; Neoplastic Syndromes, Hereditary; Tumor predisposition. Identifiers: Orphanet 140162, MedGen C0027672, MeSH D009386, MONDO:0015356.

Submission:

Ambry Genetics
Classification: Uncertain significance for Hereditary cancer-predisposing syndrome. Last evaluated: 2026-07-02. Review status: criteria provided, single submitter. Criteria: Ambry Variant Classification Scheme 2023. Collection method: clinical testing. Allele origin: germline.
Comment: The p.G345D variant (also known as c.1034G>A), located in coding exon 7 of the PTCH1 gene, results from a G to A substitution at nucleotide position 1034. The glycine at codon 345 is replaced by aspartic acid, an amino acid with similar properties. This amino acid position is highly conserved in available vertebrate species. In addition, this alteration is predicted to be deleterious by in silico analysis. Since supporting evidence is limited at this time, the clinical significance of this alteration remains unclear.

NM_000264.5(PTCH1):c.1034G>A (p.Gly345Asp)

Gene: PTCH1 (patched 1; minus strand). Cytogenetic location: 9q22.32.
Variant type: single nucleotide variant.
Coding change: c.1034G>A on transcript NM_000264.5 (MANE Select); coding-DNA position 1034, G replaced by A.
Protein change: p.Gly345Asp; replaces glycine 345 with aspartic acid.
Molecular consequence: missense variant. On other transcripts: non-coding transcript variant (1).
Genome position (GRCh38, 1-based): chr9:95,480,002, C>T on the plus strand (G>A on the coding strand, the complement: PTCH1 is on the minus strand). VCF-style: chr9-95480002-C-T. GRCh37 (hg19) VCF-style: chr9-98242284-C-T.
Other names: c.581G>A, p.Gly194Asp (NM_001083604.3, NM_001083605.3, NM_001083606.3 and 1 more transcripts); c.1034G>A, p.Gly345Asp (NM_001354918.2); c.836G>A, p.Gly279Asp (NM_001083602.3); c.1031G>A, p.Gly344Asp (NM_001083603.3); short protein forms G344D, G345D, G194D, G279D.
Identifiers: ClinVar variation 1772102 (VCV001772102.3), dbSNP rs1288810300, ClinGen allele CA374119626.